The following is an entry in ClinVar:

ClinVar aggregate classification (germline): Uncertain significance (1 of 4 stars; one submission).

Conditions:
Cardiovascular phenotype. Identifiers: MedGen CN230736.

gnomAD v4.1: 2 of 1,612,888 alleles (0.00012%); highest among the groups gnomAD compares: Admixed American, 0.0033%; no homozygotes.

Submission:

Ambry Genetics
Classification: Uncertain significance for Cardiovascular phenotype. Last evaluated: 2026-02-14. Review status: criteria provided, single submitter. Criteria: Ambry Variant Classification Scheme 2023. Collection method: clinical testing. Allele origin: germline.
Comment: The p.V2919L variant (also known as c.8755G>T), located in coding exon 24 of the TNXB gene, results from a G to T substitution at nucleotide position 8755. The valine at codon 2919 is replaced by leucine, an amino acid with highly similar properties. This amino acid position is conserved. In addition, this alteration is predicted to be tolerated by in silico analysis. Based on the available evidence, the clinical significance of this variant remains unclear.

NM_001365276.2(TNXB):c.8761G>T (p.Val2921Leu)

Gene: TNXB (tenascin XB; minus strand). Cytogenetic location: 6p21.33.
Variant type: single nucleotide variant.
Coding change: c.8761G>T on transcript NM_001365276.2 (MANE Select); coding-DNA position 8761, G replaced by T.
Protein change: p.Val2921Leu; replaces valine 2921 with leucine.
Molecular consequence: missense variant.
Genome position (GRCh38, 1-based): chr6:32,053,418, C>A on the plus strand (G>T on the coding strand, the complement: TNXB is on the minus strand). VCF-style: chr6-32053418-C-A. GRCh37 (hg19) VCF-style: chr6-32021195-C-A.
Other names: c.9502G>T, p.Val3168Leu (NM_001428335.1); c.8755G>T, p.Val2919Leu (NM_019105.8); short protein forms V2919L, V2921L, V3168L.
Identifiers: ClinVar variation 4824412 (VCV004824412.1).
Genomic context (GRCh38, chr6:32,053,418, plus strand): 5'-CCCACTCTGGGGCTCCCATCGTACACTCACCTGTCACCCCAATGACAGAGATGGGGCCCA[C>A]GCGCTGGCCACCGTGGAAGCCGTACAGGTTCATCTTGTACTTGTGGTCTGGCTCCAGGCC-3'
Protein context (NP_001352205.1, residues 2911-2931): NLYGFHGGQR[Val2921Leu]GPISVIGVTA